The following is an entry in ClinVar:

ClinVar aggregate classification (germline): Pathogenic (1 of 4 stars; one submission).

Conditions:
Reticular dysgenesis. Also called: ALEUKOCYTOSIS; CONGENITAL ALEUKIA; HEMATOPOIETIC HYPOPLASIA, GENERALIZED; RETICULAR DYSGENESIA; SEVERE COMBINED IMMUNODEFICIENCY WITH LEUKOPENIA; DeVaal disease. Identifiers: Orphanet 33355, MedGen C0272167, MONDO:0009973, OMIM 267500.

Submission:

Labcorp Genetics (formerly Invitae), Labcorp
Classification: Pathogenic for Reticular dysgenesis. Last evaluated: 2022-04-10. Review status: criteria provided, single submitter. Criteria: Invitae Variant Classification Sherloc (09022015). Collection method: clinical testing. Allele origin: germline.
Comment: This sequence change creates a premature translational stop signal (p.Val125Aspfs*2) in the AK2 gene. It is expected to result in an absent or disrupted protein product. Loss-of-function variants in AK2 are known to be pathogenic (PMID: 19043416, 19043417, 19414857). This variant is not present in population databases (gnomAD no frequency). This variant has not been reported in the literature in individuals affected with AK2-related conditions. For these reasons, this variant has been classified as Pathogenic.

Literature cited by the submitters: PubMed 19043416; PubMed 19043417; PubMed 19414857.

NM_001625.4(AK2):c.374_375del (p.Val125fs)

Gene: AK2 (adenylate kinase 2; minus strand). Cytogenetic location: 1p35.1.
Variant type: Microsatellite.
Coding change: c.374_375del on transcript NM_001625.4 (MANE Select); coding-DNA positions 374 to 375, 2 bases deleted (TG; older notation c.374_375delTG).
Protein change: p.Val125fs; shifts the reading frame from valine 125.
Molecular consequence: frameshift variant. On other transcripts: intron variant (1).
Genome position (GRCh38, 1-based): chr1:33,021,417-33,021,418, CA deleted on the plus strand (TG on the coding strand, the reverse complement: AK2 is on the minus strand); deleting any 2 consecutive bases within chr1:33,021,417-33,021,420 gives the same sequence; the c. name uses the placement nearest the transcript's 3' end. VCF-style (leftmost placement, unchanged base first): chr1-33021416-TCA-T. GRCh37 (hg19) VCF-style: chr1-33487017-TCA-T.
Other names: c.374_375del, p.Val125fs (NM_001199199.3, NM_001319141.3, NM_013411.5); c.230_231del, p.Val77fs (NM_001319139.3, NM_001319140.2); c.248_249del, p.Val83fs (NM_001319142.3); c.330+175_330+176del (NM_001319143.2); short protein forms V125fs, V77fs, V83fs.
Identifiers: ClinVar variation 2124398 (VCV002124398.4), dbSNP rs2522072280, ClinGen allele CA2580611433.